The following is an entry in ClinVar:

ClinVar aggregate classification (germline): Likely benign. Review status: criteria provided, multiple submitters, no conflicts (2 of 4 stars). 2 submissions from 2 submitters: Likely benign (2). Last evaluated 2026-06-01.

Allele frequency attached by ClinVar (database versions not stated): gnomAD exomes 0.00028 and 0.00093; ExAC 0.00150; gnomAD 0.00331 and 0.00364; ESP Exome Variant Server 0.00333; 1000 Genomes Project 0.00359; TOPMed 0.00380; 1000 Genomes Project 30x 0.00437.
gnomAD v4.1: 888 of 1,501,552 alleles (0.059%); highest among the groups gnomAD compares: African/African-American, 1.1%; 5 homozygotes.

Submissions (2):

CeGaT Center for Human Genetics Tuebingen
Classification: Likely benign. Last evaluated: 2026-06-01. Review status: criteria provided, single submitter. Criteria: CeGaT Center For Human Genetics Tuebingen Variant Classification Criteria Version 2. Collection method: clinical testing. Allele origin: germline. Affected: yes. Observed: 5 variant alleles.
Comment: CSNK2A1: BP4, BP7, BS1

GeneDx
Classification: Likely benign. Last evaluated: 2018-12-24. Review status: criteria provided, single submitter. Criteria: GeneDx Variant Classification Process June 2021. Collection method: clinical testing. Allele origin: germline. Affected: yes.

NM_177559.3(CSNK2A1):c.213+45T>C

Gene: CSNK2A1 (casein kinase 2 alpha 1; minus strand). Cytogenetic location: 20p13.
Variant type: single nucleotide variant.
Coding change: c.213+45T>C on transcript NM_177559.3 (MANE Select); 45 bases into the intron after coding-DNA position 213, T replaced by C.
Molecular consequence: intron variant.
Genome position (GRCh38, 1-based): chr20:505,073, A>G on the plus strand (T>C on the coding strand, the complement: CSNK2A1 is on the minus strand). VCF-style: chr20-505073-A-G. GRCh37 (hg19) VCF-style: chr20-485717-A-G.
Other names: c.-196+45T>C (NM_177560.3); c.213+45T>C (NM_001362771.2, NM_001895.4, NM_001362770.2).
Identifiers: ClinVar variation 1191810 (VCV001191810.24), dbSNP rs181461026, ClinGen allele CA9724062.